The following is an entry in ClinVar:

ClinVar aggregate classification (germline): Uncertain significance. Review status: criteria provided, multiple submitters, no conflicts (2 of 4 stars). 3 submissions from 3 submitters: Uncertain significance (3). Last evaluated 2025-11-17.

Conditions:
Hereditary cancer-predisposing syndrome. Also called: Tumor predisposition; Hereditary neoplastic syndrome; Neoplastic Syndromes, Hereditary; Hereditary Cancer Syndrome. Identifiers: Orphanet 140162, MedGen C0027672, MeSH D009386, MONDO:0015356.
Familial adenomatous polyposis 1 (FAP1). Also called: POLYPOSIS, ADENOMATOUS INTESTINAL; FAMILIAL ADENOMATOUS POLYPOSIS 1, ATTENUATED. Identifiers: MedGen C2713442, MONDO:0021056, OMIM 175100. Disease mechanism: loss of function.

Submissions (3):

Labcorp Genetics (formerly Invitae), Labcorp
Classification: Uncertain significance for Familial adenomatous polyposis 1. Last evaluated: 2025-11-17. Review status: criteria provided, single submitter. Criteria: Invitae Variant Classification Sherloc (09022015). Collection method: clinical testing. Allele origin: germline.
Comment: This sequence change replaces glutamine, which is neutral and polar, with leucine, which is neutral and non-polar, at codon 1242 of the APC protein (p.Gln1242Leu). This variant is not present in population databases (gnomAD no frequency). This variant has not been reported in the literature in individuals affected with APC-related conditions. ClinVar contains an entry for this variant (Variation ID: 861451). Invitae Evidence Modeling of protein sequence and biophysical properties (such as structural, functional, and spatial information, amino acid conservation, physicochemical variation, residue mobility, and thermodynamic stability) indicates that this missense variant is not expected to disrupt APC protein function with a negative predictive value of 95%. In summary, the available evidence is currently insufficient to determine the role of this variant in disease. Therefore, it has been classified as a Variant of Uncertain Significance.

Ambry Genetics
Classification: Uncertain significance for Hereditary cancer-predisposing syndrome. Last evaluated: 2024-01-01. Review status: criteria provided, single submitter. Criteria: Ambry Variant Classification Scheme 2023. Collection method: clinical testing. Allele origin: germline.
Comment: The p.Q1242L variant (also known as c.3725A>T), located in coding exon 15 of the APC gene, results from an A to T substitution at nucleotide position 3725. The glutamine at codon 1242 is replaced by leucine, an amino acid with dissimilar properties. This amino acid position is conserved. In addition, in silico predictors for this gene do not accurately predict pathogenicity. Since supporting evidence is limited at this time, the clinical significance of this alteration remains unclear.

GeneDx
Classification: Uncertain significance. Last evaluated: 2023-03-20. Review status: criteria provided, single submitter. Criteria: GeneDx Variant Classification Process June 2021. Collection method: clinical testing. Allele origin: germline. Affected: yes.
Comment: Not observed at significant frequency in large population cohorts (gnomAD); In silico analysis supports that this missense variant does not alter protein structure/function; Has not been previously published as pathogenic or benign to our knowledge

NM_000038.6(APC):c.3725A>T (p.Gln1242Leu)

Gene: APC (APC regulator of Wnt signaling pathway; plus strand). Cytogenetic location: 5q22.2.
Variant type: single nucleotide variant.
Coding change: c.3725A>T on transcript NM_000038.6 (MANE Select); coding-DNA position 3725, A replaced by T.
Protein change: p.Gln1242Leu; replaces glutamine 1242 with leucine.
Molecular consequence: missense variant.
Genome position (GRCh38, 1-based): chr5:112,839,319, A>T. VCF-style: chr5-112839319-A-T. GRCh37 (hg19) VCF-style: chr5-112175016-A-T.
Other names: c.3725A>T, p.Gln1242Leu (NM_001127510.3, NM_001354895.2); c.3671A>T, p.Gln1224Leu (NM_001127511.3); c.3779A>T, p.Gln1260Leu (NM_001354896.2); c.3755A>T, p.Gln1252Leu (NM_001354897.2); c.3650A>T, p.Gln1217Leu (NM_001354898.2); c.3641A>T, p.Gln1214Leu (NM_001354899.2); c.3602A>T, p.Gln1201Leu (NM_001354900.2); c.3548A>T, p.Gln1183Leu (NM_001354901.2); and 5 more; short protein forms Q1183L, Q1217L, Q959L, Q1116L, Q1151L, Q1252L, Q1260L, Q1082L.
Identifiers: ClinVar variation 861451 (VCV000861451.13), dbSNP rs1554085257, ClinGen allele CA16029508.